The following is an entry in ClinVar:

ClinVar aggregate classification (germline): Uncertain significance (1 of 4 stars; one submission).

Conditions:
Acrocallosal syndrome (ACLS). Also called: HALLUX DUPLICATION, POSTAXIAL POLYDACTYLY, AND ABSENCE OF CORPUS CALLOSUM; Schinzel syndrome 1; Absence of corpus callosum with unusual facial appearance, mental deficiency, duplication of the halluces and polydactyly. Identifiers: Orphanet 36, MedGen C0796147, MONDO:0008708, OMIM 200990.

Submission:

Labcorp Genetics (formerly Invitae), Labcorp
Classification: Uncertain significance for Acrocallosal syndrome. Last evaluated: 2021-08-29. Review status: criteria provided, single submitter. Criteria: Invitae Variant Classification Sherloc (09022015). Collection method: clinical testing. Allele origin: germline.
Comment: This variant has not been reported in the literature in individuals affected with KIF7-related conditions. This sequence change replaces valine with isoleucine at codon 688 of the KIF7 protein (p.Val688Ile). The valine residue is weakly conserved and there is a small physicochemical difference between valine and isoleucine. This variant is not present in population databases (ExAC no frequency). Algorithms developed to predict the effect of missense changes on protein structure and function (SIFT, PolyPhen-2, Align-GVGD) all suggest that this variant is likely to be tolerated. In summary, the available evidence is currently insufficient to determine the role of this variant in disease. Therefore, it has been classified as a Variant of Uncertain Significance.

NM_198525.3(KIF7):c.2062G>A (p.Val688Ile)

Gene: KIF7 (kinesin family member 7; minus strand). Cytogenetic location: 15q26.1.
Variant type: single nucleotide variant.
Coding change: c.2062G>A on transcript NM_198525.3 (MANE Select); coding-DNA position 2062, G replaced by A.
Protein change: p.Val688Ile; replaces valine 688 with isoleucine.
Molecular consequence: missense variant.
Genome position (GRCh38, 1-based): chr15:89,645,142, C>T on the plus strand (G>A on the coding strand, the complement: KIF7 is on the minus strand). VCF-style: chr15-89645142-C-T. GRCh37 (hg19) VCF-style: chr15-90188373-C-T.
Other names: short protein forms V688I.
Identifiers: ClinVar variation 1435741 (VCV001435741.6), dbSNP rs1963989086, ClinGen allele CA393763850.